The following is an entry in ClinVar:

ClinVar aggregate classification (germline): Uncertain significance. Review status: criteria provided, multiple submitters, no conflicts (2 of 4 stars). 4 submissions from 4 submitters: Uncertain significance (4). Last evaluated 2024-09-25.

Conditions:
Dilated cardiomyopathy 1J (CMD1J). Also called: CARDIOMYOPATHY, DILATED, WITH SENSORINEURAL HEARING LOSS, AUTOSOMAL DOMINANT. Identifiers: Orphanet 217622, MedGen C1854368, MONDO:0011541, OMIM 605362.
Autosomal dominant nonsyndromic hearing loss 10. Identifiers: Orphanet 90635, MedGen C1832476, MONDO:0011031, OMIM 601316.

gnomAD v4.1: 6 of 1,611,578 alleles (0.00037%); highest among the groups gnomAD compares: Admixed American, 0.0017%; no homozygotes.

Submissions (4):

Blueprint Genetics
Classification: Uncertain significance. Last evaluated: 2024-09-25. Review status: criteria provided, single submitter. Criteria: ACMG Guidelines, 2015. Collection method: clinical testing. Allele origin: germline.

GeneDx
Classification: Uncertain significance. Last evaluated: 2024-09-04. Review status: criteria provided, single submitter. Criteria: GeneDx Variant Classification Process June 2021. Collection method: clinical testing. Allele origin: germline. Affected: yes.
Comment: Has not been previously published as pathogenic or benign to our knowledge; Not observed at significant frequency in large population cohorts (gnomAD); In silico analysis indicates that this missense variant does not alter protein structure/function

Labcorp Genetics (formerly Invitae), Labcorp
Classification: Uncertain significance for Dilated cardiomyopathy 1J. Last evaluated: 2023-12-12. Review status: criteria provided, single submitter. Criteria: Invitae Variant Classification Sherloc (09022015). Collection method: clinical testing. Allele origin: germline.
Comment: This sequence change replaces alanine, which is neutral and non-polar, with valine, which is neutral and non-polar, at codon 275 of the EYA4 protein (p.Ala275Val). This variant is not present in population databases (gnomAD no frequency). This variant has not been reported in the literature in individuals affected with EYA4-related conditions. ClinVar contains an entry for this variant (Variation ID: 1315817). Advanced modeling of protein sequence and biophysical properties (such as structural, functional, and spatial information, amino acid conservation, physicochemical variation, residue mobility, and thermodynamic stability) performed at Invitae indicates that this missense variant is not expected to disrupt EYA4 protein function with a negative predictive value of 80%. In summary, the available evidence is currently insufficient to determine the role of this variant in disease. Therefore, it has been classified as a Variant of Uncertain Significance.

Fulgent Genetics
Classification: Uncertain significance for Autosomal dominant nonsyndromic hearing loss 10; Dilated cardiomyopathy 1J. Last evaluated: 2021-10-12. Review status: criteria provided, single submitter. Criteria: ACMG Guidelines, 2015. Collection method: clinical testing. Allele origin: unknown.

NM_004100.5(EYA4):c.824C>T (p.Ala275Val)

Gene: EYA4 (EYA transcriptional coactivator and phosphatase 4; plus strand). Cytogenetic location: 6q23.2.
Variant type: single nucleotide variant.
Coding change: c.824C>T on transcript NM_004100.5 (MANE Select); coding-DNA position 824, C replaced by T.
Protein change: p.Ala275Val; replaces alanine 275 with valine.
Molecular consequence: missense variant.
Genome position (GRCh38, 1-based): chr6:133,468,585, C>T. VCF-style: chr6-133468585-C-T. GRCh37 (hg19) VCF-style: chr6-133789723-C-T.
Other names: c.662C>T, p.Ala221Val (NM_001301012.2, NM_001370459.1); c.824C>T, p.Ala275Val (NM_001301013.2, NM_172105.4); c.755C>T, p.Ala252Val (NM_001370458.1, NM_172103.4); short protein forms A221V, A252V, A275V.
Identifiers: ClinVar variation 1315817 (VCV001315817.12), dbSNP rs748654006, ClinGen allele CA365703287.